The following is an entry in ClinVar:

ClinVar aggregate classification (germline): Benign. Review status: criteria provided, multiple submitters, no conflicts (2 of 4 stars). 2 submissions from 2 submitters: Benign (2). Last evaluated 2014-04-23.

Allele frequency attached by ClinVar (database versions not stated): 1000 Genomes Project 0.01318; ExAC 0.00352; gnomAD 0.00914 and 0.00957; TOPMed 0.01040; gnomAD exomes 0.00240; 1000 Genomes Project 30x 0.01234.
gnomAD v4.1: 2,863 of 1,598,948 alleles (0.18%); highest among the groups gnomAD compares: African/African-American, 3.3%; 38 homozygotes.

Submissions (2):

GeneDx
Classification: Benign. Last evaluated: 2014-04-23. Review status: criteria provided, single submitter. Criteria: GeneDx Variant Classification (06012015). Collection method: clinical testing. Allele origin: germline. Affected: yes.
Comment: This variant is considered likely benign or benign based on one or more of the following criteria: it is a conservative change, it occurs at a poorly conserved position in the protein, it is predicted to be benign by multiple in silico algorithms, and/or has population frequency not consistent with disease.

Breakthrough Genomics
Classification: Benign. Review status: criteria provided, single submitter. Criteria: ACMG Guidelines, 2015. Collection method: not provided. Allele origin: germline. Inheritance: Autosomal recessive inheritance. Affected: yes.

NM_182476.2(COQ6):c.-204G>T

Gene: COQ6 (coenzyme Q6, monooxygenase; plus strand). Cytogenetic location: 14q24.3.
Variant type: single nucleotide variant.
Coding change: c.-204G>T on transcript NM_182476.2; 204 bases upstream of the start codon, G replaced by T.
Molecular consequence: missense variant (on NM_001425258.1). On other transcripts: 5 prime UTR variant (2).
Genome position (GRCh38, 1-based): chr14:73,950,129, G>T. VCF-style: chr14-73950129-G-T. GRCh37 (hg19) VCF-style: chr14-74416832-G-T.
Other names: p.V13F:GTC>TTC; c.37G>T, p.Val13Phe (NM_001425258.1, NM_182480.3); c.-55G>T (NM_001425259.1, NM_001425261.1); short protein forms V13F.
Identifiers: ClinVar variation 136985 (VCV000136985.4), dbSNP rs111833521, ClinGen allele CA290440.